The following is an entry in ClinVar:

ClinVar aggregate classification (germline): Benign/Likely benign. Review status: criteria provided, multiple submitters, no conflicts (2 of 4 stars). 4 submissions from 3 submitters: Benign (2); Likely benign (2). Last evaluated 2023-07-26.

Conditions:
Spondyloepimetaphyseal dysplasia, Missouri type. Identifiers: Orphanet 1040, Orphanet 93356, MedGen C1865832, MONDO:0011198, OMIM 602111.
Metaphyseal anadysplasia. Also called: Early-onset regressive form of metaphyseal dysplasia. Identifiers: Orphanet 1040, MedGen C0432226, MONDO:0015177.

Allele frequency attached by ClinVar (database versions not stated): TOPMed 0.00001; ExAC 0.00003; gnomAD 0.00003 and 0.00004; gnomAD exomes 0.00003 and 0.00005.
gnomAD v4.1: 54 of 1,613,294 alleles (0.0033%); highest among the groups gnomAD compares: East Asian, 0.016%; no homozygotes.

Submissions (4):

Labcorp Genetics (formerly Invitae), Labcorp
Classification: Likely benign. Last evaluated: 2023-07-26. Review status: criteria provided, single submitter. Criteria: Invitae Variant Classification Sherloc (09022015). Collection method: clinical testing. Allele origin: germline.

Blueprint Genetics
Classification: Likely benign. Last evaluated: 2018-10-24. Review status: criteria provided, single submitter. Criteria: ACMG Guidelines, 2015. Collection method: clinical testing. Allele origin: germline.

Illumina Laboratory Services, Illumina
Classification: Benign for Spondyloepimetaphyseal dysplasia, Missouri type. Last evaluated: 2017-04-27. Review status: criteria provided, single submitter. Criteria: ICSL Variant Classification Criteria 13 December 2019. Collection method: clinical testing. Allele origin: germline.
Comment: This variant was observed as part of a predisposition screen in an ostensibly healthy population. A literature search was performed for the gene, cDNA change, and amino acid change (where applicable). No publications were found based on this search. Allele frequency data from public databases was too high to be consistent with this variant causing disease. Therefore, this variant is classified as benign.

Illumina Laboratory Services, Illumina
Classification: Benign for Metaphyseal anadysplasia. Last evaluated: 2017-04-27. Review status: criteria provided, single submitter. Criteria: ICSL Variant Classification Criteria 13 December 2019. Collection method: clinical testing. Allele origin: germline.
Comment: the same text as in the submission from Illumina Laboratory Services, Illumina above.

NM_002427.4(MMP13):c.741C>T (p.Thr247=)

Gene: MMP13 (matrix metallopeptidase 13; minus strand). Cytogenetic location: 11q22.2.
Variant type: single nucleotide variant.
Coding change: c.741C>T on transcript NM_002427.4 (MANE Select); coding-DNA position 741, C replaced by T.
Protein change: p.Thr247=; no amino-acid change (threonine 247 retained).
Molecular consequence: synonymous variant.
Genome position (GRCh38, 1-based): chr11:102,952,070, G>A on the plus strand (C>T on the coding strand, the complement: MMP13 is on the minus strand). VCF-style: chr11-102952070-G-A. GRCh37 (hg19) VCF-style: chr11-102822799-G-A.
Identifiers: ClinVar variation 880507 (VCV000880507.8), dbSNP rs782086012, ClinGen allele CA6251910.